The following is an entry in ClinVar:

ClinVar aggregate classification (germline): Uncertain significance (1 of 4 stars; one submission).

Conditions:
Mowat-Wilson syndrome (MOWS). Also called: Classic Mowat-Wilson Syndrome. Identifiers: Orphanet 2152, MedGen C1856113, MONDO:0009341, OMIM 235730.

Submission:

Labcorp Genetics (formerly Invitae), Labcorp
Classification: Uncertain significance for Mowat-Wilson syndrome. Last evaluated: 2022-11-03. Review status: criteria provided, single submitter. Criteria: Invitae Variant Classification Sherloc (09022015). Collection method: clinical testing. Allele origin: germline.
Comment: In summary, the available evidence is currently insufficient to determine the role of this variant in disease. Therefore, it has been classified as a Variant of Uncertain Significance. Advanced modeling of protein sequence and biophysical properties (such as structural, functional, and spatial information, amino acid conservation, physicochemical variation, residue mobility, and thermodynamic stability) performed at Invitae indicates that this missense variant is expected to disrupt ZEB2 protein function. This variant has not been reported in the literature in individuals affected with ZEB2-related conditions. This variant is not present in population databases (gnomAD no frequency). This sequence change replaces cysteine, which is neutral and slightly polar, with phenylalanine, which is neutral and non-polar, at codon 583 of the ZEB2 protein (p.Cys583Phe).

NM_014795.4(ZEB2):c.1748G>T (p.Cys583Phe)

Gene: ZEB2 (zinc finger E-box binding homeobox 2; minus strand). Cytogenetic location: 2q22.3.
Variant type: single nucleotide variant.
Coding change: c.1748G>T on transcript NM_014795.4 (MANE Select); coding-DNA position 1748, G replaced by T.
Protein change: p.Cys583Phe; replaces cysteine 583 with phenylalanine.
Molecular consequence: missense variant.
Genome position (GRCh38, 1-based): chr2:144,399,439, C>A on the plus strand (G>T on the coding strand, the complement: ZEB2 is on the minus strand). VCF-style: chr2-144399439-C-A. GRCh37 (hg19) VCF-style: chr2-145157006-C-A.
Other names: c.1676G>T, p.Cys559Phe (NM_001171653.2); short protein forms C559F, C583F.
Identifiers: ClinVar variation 2811739 (VCV002811739.3), dbSNP rs2549106536, ClinGen allele CA348710278.
Genomic context (GRCh38, chr2:144,399,439, plus strand): 5'-AGGTAACGTTCATGCTGATGCAAAGGGATGGGGCCAGGAAAACTTTCTTTACAGAACTGG[C>A]ATGAAAATGGAGTGGATATGTTGTGGTTCTCAATCATTTTGTCATCAGTGACCAAATCTA-3'
Protein context (NP_055610.1, residues 573-593): ENHNISTPFS[Cys583Phe]QFCKESFPGP